The following is an entry in ClinVar:

ClinVar aggregate classification (germline): Uncertain significance (1 of 4 stars; one submission).

Conditions:
Combined oxidative phosphorylation defect type 27. Also called: Combined oxidative phosphorylation deficiency 27. Identifiers: Orphanet 477774, MedGen C5567608, MONDO:0014728, OMIM 616672.

Allele frequency attached by ClinVar (database versions not stated): ExAC 0.00001; gnomAD exomes 0.00002; TOPMed 0.00003.
gnomAD v4.1: 27 of 1,608,642 alleles (0.0017%); highest among the groups gnomAD compares: South Asian, 0.0067%; no homozygotes.

Submission:

Labcorp Genetics (formerly Invitae), Labcorp
Classification: Uncertain significance for Combined oxidative phosphorylation defect type 27. Last evaluated: 2024-06-24. Review status: criteria provided, single submitter. Criteria: Invitae Variant Classification Sherloc (09022015). Collection method: clinical testing. Allele origin: germline.
Comment: This sequence change replaces arginine, which is basic and polar, with glutamine, which is neutral and polar, at codon 494 of the CARS2 protein (p.Arg494Gln). The frequency data for this variant in the population databases is considered unreliable, as metrics indicate poor data quality at this position in the gnomAD database. This variant has not been reported in the literature in individuals affected with CARS2-related conditions. ClinVar contains an entry for this variant (Variation ID: 958576). Advanced modeling of protein sequence and biophysical properties (such as structural, functional, and spatial information, amino acid conservation, physicochemical variation, residue mobility, and thermodynamic stability) performed at Invitae indicates that this missense variant is not expected to disrupt CARS2 protein function with a negative predictive value of 80%. In summary, the available evidence is currently insufficient to determine the role of this variant in disease. Therefore, it has been classified as a Variant of Uncertain Significance.

NM_024537.4(CARS2):c.1481G>A (p.Arg494Gln)

Gene: CARS2 (cysteinyl-tRNA synthetase 2, mitochondrial; minus strand). Cytogenetic location: 13q34.
Variant type: single nucleotide variant.
Coding change: c.1481G>A on transcript NM_024537.4 (MANE Select); coding-DNA position 1481, G replaced by A.
Protein change: p.Arg494Gln; replaces arginine 494 with glutamine.
Molecular consequence: missense variant. On other transcripts: non-coding transcript variant (2).
Genome position (GRCh38, 1-based): chr13:110,642,457, C>T on the plus strand (G>A on the coding strand, the complement: CARS2 is on the minus strand). VCF-style: chr13-110642457-C-T. GRCh37 (hg19) VCF-style: chr13-111294804-C-T.
Other names: c.695G>A, p.Arg232Gln (NM_001352252.2); short protein forms R232Q, R494Q.
Identifiers: ClinVar variation 958576 (VCV000958576.6), dbSNP rs748191524, ClinGen allele CA7051637.